The following is an entry in ClinVar:

NM_001379500.1(COL18A1):c.1768C>T (p.Pro590Ser)

Gene: COL18A1 (collagen type XVIII alpha 1 chain; plus strand). Cytogenetic location: 21q22.3.
Variant type: single nucleotide variant.
Coding change: c.1768C>T on transcript NM_001379500.1 (MANE Select); coding-DNA position 1768, C replaced by T.
Protein change: p.Pro590Ser; replaces proline 590 with serine.
Molecular consequence: missense variant.
Genome position (GRCh38, 1-based): chr21:45,486,927, C>T. VCF-style: chr21-45486927-C-T. GRCh37 (hg19) VCF-style: chr21-46906841-C-T.
Other names: c.2308C>T, p.Pro770Ser (NM_030582.4); c.3013C>T, p.Pro1005Ser (NM_130444.3); short protein forms P1005S, P590S, P770S.
Identifiers: ClinVar variation 1713522 (VCV001713522.5), dbSNP rs754558226, ClinGen allele CA410496274.

ClinVar aggregate classification (germline): Uncertain significance (1 of 4 stars; one submission).

gnomAD v4.1: 1 of 1,507,592 alleles (0.000066%); highest among the groups gnomAD compares: East Asian, 0.0025%; no homozygotes.

Submission:

Labcorp Genetics (formerly Invitae), Labcorp
Classification: Uncertain significance. Last evaluated: 2022-09-01. Review status: criteria provided, single submitter. Criteria: Invitae Variant Classification Sherloc (09022015). Collection method: clinical testing. Allele origin: germline.
Comment: This variant has not been reported in the literature in individuals affected with COL18A1-related conditions. This sequence change replaces proline, which is neutral and non-polar, with serine, which is neutral and polar, at codon 590 of the COL18A1 protein (p.Pro590Ser). This variant is not present in population databases (gnomAD no frequency). Experimental studies and prediction algorithms are not available or were not evaluated, and the functional significance of this variant is currently unknown. In summary, the available evidence is currently insufficient to determine the role of this variant in disease. Therefore, it has been classified as a Variant of Uncertain Significance.